The following is an entry in ClinVar:

NM_004994.3(MMP9):c.580C>T (p.Pro194Ser)

Gene: MMP9 (matrix metallopeptidase 9; plus strand). Cytogenetic location: 20q13.12.
Variant type: single nucleotide variant.
Coding change: c.580C>T on transcript NM_004994.3 (MANE Select); coding-DNA position 580, C replaced by T.
Protein change: p.Pro194Ser; replaces proline 194 with serine.
Molecular consequence: missense variant.
Genome position (GRCh38, 1-based): chr20:46,010,981, C>T. VCF-style: chr20-46010981-C-T. GRCh37 (hg19) VCF-style: chr20-44639620-C-T.
Other names: short protein forms P194S.
Identifiers: ClinVar variation 2071381 (VCV002071381.4), dbSNP rs757968778, ClinGen allele CA9886448.

ClinVar aggregate classification (germline): Uncertain significance (1 of 4 stars; one submission).

Allele frequency attached by ClinVar (database versions not stated): gnomAD 0.00001; ExAC 0.00002.
gnomAD v4.1: 7 of 1,614,098 alleles (0.00043%); highest among the groups gnomAD compares: Admixed American, 0.01%; no homozygotes.

Submission:

Labcorp Genetics (formerly Invitae), Labcorp
Classification: Uncertain significance. Last evaluated: 2022-01-03. Review status: criteria provided, single submitter. Criteria: Invitae Variant Classification Sherloc (09022015). Collection method: clinical testing. Allele origin: germline.
Comment: Algorithms developed to predict the effect of missense changes on protein structure and function are either unavailable or do not agree on the potential impact of this missense change (SIFT: "Tolerated"; PolyPhen-2: "Probably Damaging"; Align-GVGD: "Class C25"). In summary, the available evidence is currently insufficient to determine the role of this variant in disease. Therefore, it has been classified as a Variant of Uncertain Significance. This variant has not been reported in the literature in individuals affected with MMP9-related conditions. This variant is present in population databases (rs757968778, gnomAD 0.02%). This sequence change replaces proline, which is neutral and non-polar, with serine, which is neutral and polar, at codon 194 of the MMP9 protein (p.Pro194Ser).